The following is an entry in ClinVar:

ClinVar aggregate classification (germline): Uncertain significance (1 of 4 stars; one submission).

Conditions:
Weill-Marchesani syndrome 1 (WMS1). Also called: Weill-Marchesani Syndrome, Autosomal Recessive; Weill-Marchesani syndrome 1, recessive; ADAMTS10-Related Weill-Marchesani Syndrome. Identifiers: Orphanet 3449, MedGen C4552002, MONDO:0010194, OMIM 277600.

Submission:

Neuberg Centre For Genomic Medicine, NCGM
Classification: Uncertain significance for Weill-Marchesani syndrome 1. Last evaluated: 2023-07-22. Review status: criteria provided, single submitter. Criteria: ACMG Guidelines, 2015. Collection method: clinical testing. Allele origin: germline. Inheritance: Autosomal recessive inheritance. Affected: yes.
Comment: The missense variant c.2085C>Gp.Cys695Trp in ADAMTS10 gene has not been reported previously as a pathogenic variant nor as a benign variant, to our knowledge. The observed variant is absent in gnomAD exomes database. This variant has not been reported to the ClinVar database.Computational evidence SIFT - damaging and MutationTaster - disease causing predict a damaging effect on protein structure and function for this variant. The amino acid change p.Cys695Trp in ADAMTS10 is predicted as conserved by GERP++ and PhyloP across 100 vertebrates. The amino acid Cys at position 695 is changed to a Trp changing protein sequence and it might alter its composition and physico-chemical properties. For these reasons, this variant has been classified as Uncertain Significance VUS.

NM_030957.4(ADAMTS10):c.2085C>G (p.Cys695Trp)

Gene: ADAMTS10 (ADAM metallopeptidase with thrombospondin type 1 motif 10; minus strand). Cytogenetic location: 19p13.2.
Variant type: single nucleotide variant.
Coding change: c.2085C>G on transcript NM_030957.4 (MANE Select); coding-DNA position 2085, C replaced by G.
Protein change: p.Cys695Trp; replaces cysteine 695 with tryptophan.
Molecular consequence: missense variant.
Genome position (GRCh38, 1-based): chr19:8,589,315, G>C on the plus strand (C>G on the coding strand, the complement: ADAMTS10 is on the minus strand). VCF-style: chr19-8589315-G-C. GRCh37 (hg19) VCF-style: chr19-8654199-G-C.
Other names: c.546C>G, p.Cys182Trp (NM_001282352.2); short protein forms C182W, C695W.
Identifiers: ClinVar variation 3391220 (VCV003391220.1).
Genomic context (GRCh38, chr19:8,589,315, plus strand): 5'-GGCTGGGCTGAAGACGCCCTCGATGGTCTCGCAGGCACTGCCGTCACCGCCACACACTCG[G>C]CACTTGTCCTCCCGCAGGTCGGAGCCCAGGACTCGGTCGCAGCCCACGTGCTGCGTGGAG-3'
Protein context (NP_112219.3, residues 685-705): VLGSDLREDK[Cys695Trp]RVCGGDGSAC